The following is an entry in ClinVar:

NM_001386393.1(PANK2):c.1145C>T (p.Ala382Val)

Gene: PANK2 (pantothenate kinase 2; plus strand). Cytogenetic location: 20p13.
Variant type: single nucleotide variant.
Coding change: c.1145C>T on transcript NM_001386393.1 (MANE Select); coding-DNA position 1145, C replaced by T.
Protein change: p.Ala382Val; replaces alanine 382 with valine.
Molecular consequence: missense variant. On other transcripts: non-coding transcript variant (1).
Genome position (GRCh38, 1-based): chr20:3,916,989, C>T. VCF-style: chr20-3916989-C-T. GRCh37 (hg19) VCF-style: chr20-3897636-C-T.
Other names: c.167C>T, p.Ala56Val (NM_001324193.2); c.602C>T, p.Ala201Val (NM_024960.6, NM_001324191.2, NM_153640.4); c.1475C>T, p.Ala492Val (NM_153638.4); short protein forms A201V, A56V, A382V, A492V.
Identifiers: ClinVar variation 2736943 (VCV002736943.3), dbSNP rs1254386724, ClinGen allele CA408119361.

ClinVar aggregate classification (germline): Pathogenic (1 of 4 stars; one submission).

Conditions:
Pigmentary pallidal degeneration (NBIA1). Also called: Neurodegeneration with brain iron accumulation 1; HARP SYNDROME; PKAN NEUROAXONAL DYSTROPHY, JUVENILE-ONSET; Pantothenate Kinase-Associated Neurodegeneration; Neuroaxonal dystrophy, late infantile; Hallervorden-Spatz disease. Identifiers: Orphanet 157850, MedGen C0018523, MONDO:0009319, OMIM 234200.

Allele frequency attached by ClinVar (database versions not stated): TOPMed below 0.00001; gnomAD 0.00001.
gnomAD v4.1: 7 of 1,613,834 alleles (0.00043%); highest among the groups gnomAD compares: East Asian, 0.0045%; no homozygotes.

Submission:

Labcorp Genetics (formerly Invitae), Labcorp
Classification: Pathogenic for Pigmentary pallidal degeneration. Last evaluated: 2023-12-21. Review status: criteria provided, single submitter. Criteria: Invitae Variant Classification Sherloc (09022015). Collection method: clinical testing. Allele origin: germline.
Comment: This sequence change replaces alanine, which is neutral and non-polar, with valine, which is neutral and non-polar, at codon 492 of the PANK2 protein (p.Ala492Val). This variant is present in population databases (no rsID available, gnomAD 0.004%). This missense change has been observed in individual(s) with early onset pantothenate kinase-kssociated neurodegeneration (PMID: 18462962). This variant is also known as c.1145C>T p.A382V. Advanced modeling of protein sequence and biophysical properties (such as structural, functional, and spatial information, amino acid conservation, physicochemical variation, residue mobility, and thermodynamic stability) performed at Invitae indicates that this missense variant is expected to disrupt PANK2 protein function with a positive predictive value of 95%. For these reasons, this variant has been classified as Pathogenic.

Literature cited by the submitters: PubMed 18462962.